The following is an entry in ClinVar:

ClinVar aggregate classification (germline): Uncertain significance (1 of 4 stars; one submission).

gnomAD v4.1: 2 of 1,548,566 alleles (0.00013%); highest among the groups gnomAD compares: Non-Finnish European, 0.000087%; no homozygotes.

Submission:

Labcorp Genetics (formerly Invitae), Labcorp
Classification: Uncertain significance. Last evaluated: 2023-02-04. Review status: criteria provided, single submitter. Criteria: Invitae Variant Classification Sherloc (09022015). Collection method: clinical testing. Allele origin: germline.
Comment: In summary, the available evidence is currently insufficient to determine the role of this variant in disease. Therefore, it has been classified as a Variant of Uncertain Significance. Experimental studies and prediction algorithms are not available or were not evaluated, and the functional significance of this variant is currently unknown. This variant has not been reported in the literature in individuals affected with SHANK1-related conditions. This variant is not present in population databases (gnomAD no frequency). This sequence change replaces alanine, which is neutral and non-polar, with threonine, which is neutral and polar, at codon 476 of the SHANK1 protein (p.Ala476Thr).

NM_016148.5(SHANK1):c.1426G>A (p.Ala476Thr)

Gene: SHANK1 (SH3 and multiple ankyrin repeat domains 1; minus strand). Cytogenetic location: 19q13.33.
Variant type: single nucleotide variant.
Coding change: c.1426G>A on transcript NM_016148.5 (MANE Select); coding-DNA position 1426, G replaced by A.
Protein change: p.Ala476Thr; replaces alanine 476 with threonine.
Molecular consequence: missense variant.
Genome position (GRCh38, 1-based): chr19:50,703,627, C>T on the plus strand (G>A on the coding strand, the complement: SHANK1 is on the minus strand). VCF-style: chr19-50703627-C-T. GRCh37 (hg19) VCF-style: chr19-51206884-C-T.
Other names: short protein forms A476T.
Identifiers: ClinVar variation 2985982 (VCV002985982.3), dbSNP rs1057455102, ClinGen allele CA309652387.